The following is an entry in ClinVar:

ClinVar aggregate classification (germline): Likely benign. Review status: criteria provided, multiple submitters, no conflicts (2 of 4 stars). 3 submissions from 3 submitters: Likely benign (3). Last evaluated 2025-05-05.

Conditions:
Familial thoracic aortic aneurysm and aortic dissection (TAAD). Also called: Thoracic aortic aneurysms and dissections. Identifiers: Orphanet 91387, MedGen C4707243, MONDO:0019625.
Ehlers-Danlos syndrome, type 4 (EDSVASC). Also called: Ehlers-Danlos Syndrome Type IV; Ehlers-Danlos syndrome vascular type; Ehlers Danlos syndrome, ecchymotic type; Ehlers Danlos syndrome, arterial type; Ehlers Danlos syndrome, Sack-Barabas type. Identifiers: Orphanet 286, MedGen C0268338, MONDO:0017314, OMIM 130050.

Allele frequency attached by ClinVar (database versions not stated): gnomAD 0.00001.

Submissions (3):

Labcorp Genetics (formerly Invitae), Labcorp
Classification: Likely benign for Ehlers-Danlos syndrome, type 4. Last evaluated: 2025-05-05. Review status: criteria provided, single submitter. Criteria: Invitae Variant Classification Sherloc (09022015). Collection method: clinical testing. Allele origin: germline.

All of Us Research Program, National Institutes of Health
Classification: Likely benign for Ehlers-Danlos syndrome, type 4. Last evaluated: 2023-12-01. Review status: criteria provided, single submitter. Criteria: ACMG Guidelines, 2015. Collection method: clinical testing. Allele origin: germline. Inheritance: Autosomal dominant inheritance. Observed: 2 variant alleles, 2 heterozygotes.
Comment: This study involves interpretation of variants in research participants for the purpose of population health screening. Participant phenotype was not available at the time of variant classification. Additional details can be found in publication PMID: 35346344, PMCID: PMC8962531

Color Diagnostics, LLC DBA Color Health
Classification: Likely benign for Familial thoracic aortic aneurysm and aortic dissection. Last evaluated: 2021-09-21. Review status: criteria provided, single submitter. Criteria: ACMG Guidelines, 2015. Collection method: clinical testing. Allele origin: germline.

NM_000090.4(COL3A1):c.2982C>G (p.Pro994=)

Gene: COL3A1 (collagen type III alpha 1 chain; plus strand). Cytogenetic location: 2q32.2.
Variant type: single nucleotide variant.
Coding change: c.2982C>G on transcript NM_000090.4 (MANE Select); coding-DNA position 2982, C replaced by G.
Protein change: p.Pro994=; no amino-acid change (proline 994 retained).
Molecular consequence: synonymous variant.
Genome position (GRCh38, 1-based): chr2:189,005,400, C>G. VCF-style: chr2-189005400-C-G. GRCh37 (hg19) VCF-style: chr2-189870126-C-G.
Identifiers: ClinVar variation 2775135 (VCV002775135.6), dbSNP rs1172268924, ClinGen allele CA430312524.